The following is an entry in ClinVar:

ClinVar aggregate classification (germline): Uncertain significance (1 of 4 stars; one submission).

Submission:

GeneDx
Classification: Uncertain significance. Last evaluated: 2025-01-06. Review status: criteria provided, single submitter. Criteria: GeneDx Variant Classification Process June 2021. Collection method: clinical testing. Allele origin: germline. Affected: yes.
Comment: Not observed at significant frequency in large population cohorts (gnomAD); In silico analysis supports that this missense variant has a deleterious effect on protein structure/function; Has not been previously published as pathogenic or benign to our knowledge

NM_021072.4(HCN1):c.1253T>G (p.Met418Arg)

Gene: HCN1 (hyperpolarization activated cyclic nucleotide gated potassium channel 1; minus strand). Cytogenetic location: 5p12.
Variant type: single nucleotide variant.
Coding change: c.1253T>G on transcript NM_021072.4 (MANE Select); coding-DNA position 1253, T replaced by G.
Protein change: p.Met418Arg; replaces methionine 418 with arginine.
Molecular consequence: missense variant.
Genome position (GRCh38, 1-based): chr5:45,353,224, A>C on the plus strand (T>G on the coding strand, the complement: HCN1 is on the minus strand). VCF-style: chr5-45353224-A-C. GRCh37 (hg19) VCF-style: chr5-45353326-A-C.
Other names: short protein forms M418R.
Identifiers: ClinVar variation 4056982 (VCV004056982.1).
Genomic context (GRCh38, chr5:45,353,224, plus strand): 5'-CTGTGTTCATAGTAATCATGTATCTTCTGACGCATATCAGCTGGTAACTTATGGAATGAC[A>C]TGTATTGTTCCACTTGCTTATACTGTAAGGAAGGGAAAATAAAATTAAAAAAAAACATTG-3'
Protein context (NP_066550.2, residues 408-428): QEKYKQVEQY[Met418Arg]SFHKLPADMR